The following is an entry in ClinVar:

ClinVar aggregate classification (germline): Likely benign. Review status: criteria provided, multiple submitters, no conflicts (2 of 4 stars). 5 submissions from 5 submitters: Likely benign (5). Last evaluated 2026-01-19.

Conditions:
Cardiovascular phenotype. Identifiers: MedGen CN230736.
Cardiac arrhythmia. Also called: Cardiac rhythm disease; Arrhythmia. Identifiers: MedGen C0003811, MONDO:0007263, HP:0011675.
Long QT syndrome (LQTS). Identifiers: MedGen C0023976, MeSH D008133, MONDO:0002442. Disease mechanism: loss of function. Inheritance: Various modes of inheritance.

Allele frequency attached by ClinVar (database versions not stated): TOPMed 0.00002.
gnomAD v4.1: 11 of 1,613,948 alleles (0.00068%); highest among the groups gnomAD compares: African/African-American, 0.004%; no homozygotes.

Submissions (5):

Labcorp Genetics (formerly Invitae), Labcorp
Classification: Likely benign for Long QT syndrome. Last evaluated: 2026-01-19. Review status: criteria provided, single submitter. Criteria: Invitae Variant Classification Sherloc (09022015). Collection method: clinical testing. Allele origin: germline.

All of Us Research Program, National Institutes of Health
Classification: Likely benign for Long QT syndrome. Last evaluated: 2024-08-06. Review status: criteria provided, single submitter. Criteria: ACMG Guidelines, 2015. Collection method: clinical testing. Allele origin: germline. Inheritance: Autosomal dominant inheritance. Observed: 10 variant alleles, 10 heterozygotes.
Comment: This study involves interpretation of variants in research participants for the purpose of population health screening. Participant phenotype was not available at the time of variant classification. Additional details can be found in publication PMID: 35346344, PMCID: PMC8962531

Color Diagnostics, LLC DBA Color Health
Classification: Likely benign for Cardiac arrhythmia. Last evaluated: 2020-11-02. Review status: criteria provided, single submitter. Criteria: ACMG Guidelines, 2015. Collection method: clinical testing. Allele origin: germline.

GeneDx
Classification: Likely benign. Last evaluated: 2020-08-04. Review status: criteria provided, single submitter. Criteria: GeneDx Variant Classification Process June 2021. Collection method: clinical testing. Allele origin: germline. Affected: yes.

Ambry Genetics
Classification: Likely benign for Cardiovascular phenotype. Last evaluated: 2019-06-09. Review status: criteria provided, single submitter. Criteria: Ambry Variant Classification Scheme 2023. Collection method: clinical testing. Allele origin: germline.

NM_000238.4(KCNH2):c.960G>A (p.Ser320=)

Gene: KCNH2 (potassium voltage-gated channel subfamily H member 2; minus strand). Cytogenetic location: 7q36.1.
Variant type: single nucleotide variant.
Coding change: c.960G>A on transcript NM_000238.4 (MANE Select); coding-DNA position 960, G replaced by A.
Protein change: p.Ser320=; no amino-acid change (serine 320 retained).
Molecular consequence: synonymous variant. On other transcripts: non-coding transcript variant (1).
Genome position (GRCh38, 1-based): chr7:150,957,459, C>T on the plus strand (G>A on the coding strand, the complement: KCNH2 is on the minus strand). VCF-style: chr7-150957459-C-T. GRCh37 (hg19) VCF-style: chr7-150654547-C-T.
Other names: c.672G>A, p.Ser224= (NM_001406753.1, NM_001406756.1); c.783G>A, p.Ser261= (NM_001406755.1); c.660G>A, p.Ser220= (NM_001406757.1); c.960G>A, p.Ser320= (NM_172056.3).
Identifiers: ClinVar variation 386333 (VCV000386333.18), dbSNP rs757055211, ClinGen allele CA041177.